The following is an entry in ClinVar:

NM_015261.3(NCAPD3):c.538G>A (p.Gly180Arg)

Gene: NCAPD3 (non-SMC condensin II complex subunit D3; minus strand). Cytogenetic location: 11q25.
Variant type: single nucleotide variant.
Coding change: c.538G>A on transcript NM_015261.3 (MANE Select); coding-DNA position 538, G replaced by A.
Protein change: p.Gly180Arg; replaces glycine 180 with arginine.
Molecular consequence: missense variant.
Genome position (GRCh38, 1-based): chr11:134,210,299, C>T on the plus strand (G>A on the coding strand, the complement: NCAPD3 is on the minus strand). VCF-style: chr11-134210299-C-T. GRCh37 (hg19) VCF-style: chr11-134080193-C-T.
Other names: c.538G>A, p.Gly180Arg (NM_001372065.1, NM_001372068.1); c.124G>A, p.Gly42Arg (NM_001372069.1, NM_001372070.1); short protein forms G180R, G42R.
Identifiers: ClinVar variation 3917716 (VCV003917716.2).
Genomic context (GRCh38, chr11:134,210,299, plus strand): 5'-ATATATGTTTTATACTCAACTTACTTCTTACCTCAATATCTTCTCTCCTGGGTGGCTTTC[C>T]CCTTTTTCTATGCCTCCCGGGGTTAGCCTGAGAGCTCTTAGGCTGTTCTTTCTTTCTTTT-3'
Protein context (NP_056076.1, residues 170-190): QANPGRHRKR[Gly180Arg]KPPRREDIEM

ClinVar aggregate classification (germline): Uncertain significance. Review status: criteria provided, multiple submitters, no conflicts (2 of 4 stars). 2 submissions from 2 submitters: Uncertain significance (2). Last evaluated 2026-05-22.

Conditions:
NCAPD3-related disorder. Also called: NCAPD3-related condition.

gnomAD v4.1: 211 of 1,613,526 alleles (0.013%); highest among the groups gnomAD compares: Non-Finnish European, 0.017%; no homozygotes.

Submissions (2):

PreventionGenetics, part of Exact Sciences
Classification: Uncertain significance for NCAPD3-related condition. Last evaluated: 2026-05-22. Review status: criteria provided, single submitter. Criteria: ACMG Guidelines, 2015. Collection method: clinical testing. Allele origin: germline.
Comment: The NCAPD3 c.538G>A variant is predicted to result in the amino acid substitution p.Gly180Arg. To our knowledge, this variant has not been reported in the literature. This variant is reported in 0.019% of alleles in individuals of European (Non-Finnish) descent in gnomAD. At this time, the clinical significance of this variant is uncertain due to the absence of conclusive functional and genetic evidence.

Ambry Genetics
Classification: Uncertain significance. Last evaluated: 2025-03-28. Review status: criteria provided, single submitter. Criteria: Ambry Variant Classification Scheme 2023. Collection method: clinical testing. Allele origin: germline.